The following is an entry in ClinVar:

NM_001291303.3(FAT4):c.5363G>A (p.Arg1788His)

Gene: FAT4 (FAT atypical cadherin 4; plus strand). Cytogenetic location: 4q28.1.
Variant type: single nucleotide variant.
Coding change: c.5363G>A on transcript NM_001291303.3 (MANE Select); coding-DNA position 5363, G replaced by A.
Protein change: p.Arg1788His; replaces arginine 1788 with histidine.
Molecular consequence: missense variant.
Genome position (GRCh38, 1-based): chr4:125,406,935, G>A. VCF-style: chr4-125406935-G-A. GRCh37 (hg19) VCF-style: chr4-126328090-G-A.
Other names: c.5363G>A, p.Arg1788His (NM_001291285.3, NM_001438396.1, NM_001438397.1 and 1 more transcripts); c.134G>A, p.Arg45His (NM_001437895.1); short protein forms R1788H, R45H.
Identifiers: ClinVar variation 5037416 (VCV005037416.1).

ClinVar aggregate classification (germline): Uncertain significance (1 of 4 stars; one submission).

gnomAD v4.1: 6 of 1,613,796 alleles (0.00037%); highest among the groups gnomAD compares: Middle Eastern, 0.017%; no homozygotes.

Submission:

GeneDx
Classification: Uncertain significance. Last evaluated: 2026-04-19. Review status: criteria provided, single submitter. Criteria: GeneDx Variant Classification Process June 2021. Collection method: clinical testing. Allele origin: germline.
Comment: Not observed at significant frequency in large population cohorts (gnomAD); In silico analysis suggests that this missense variant does not alter protein structure/function; Has not been previously published as pathogenic or benign to our knowledge